The following is an entry in ClinVar:

ClinVar aggregate classification (germline): Uncertain significance. Review status: criteria provided, single submitter (1 of 4 stars). 2 submissions from 2 submitters: Uncertain significance (1). 1 of the submissions does not count toward it. Last evaluated 2025-07-28.

Conditions:
TOP2B-related disorder. Also called: TOP2B-related condition.

Allele frequency attached by ClinVar (database versions not stated): TOPMed 0.00002; gnomAD 0.00001; gnomAD exomes 0.00001; ESP Exome Variant Server 0.00009.
gnomAD v4.1: 20 of 1,583,168 alleles (0.0013%); highest among the groups gnomAD compares: Non-Finnish European, 0.0016%; no homozygotes.

Submissions (2):

Labcorp Genetics (formerly Invitae), Labcorp
Classification: Uncertain significance. Last evaluated: 2025-07-28. Review status: criteria provided, single submitter. Criteria: Invitae Variant Classification Sherloc (09022015). Collection method: clinical testing. Allele origin: germline.
Comment: This sequence change falls in intron 14 of the TOP2B gene. It does not directly change the encoded amino acid sequence of the TOP2B protein. It affects a nucleotide within the consensus splice site. This variant is present in population databases (rs368895676, gnomAD 0.007%). This variant has not been reported in the literature in individuals affected with TOP2B-related conditions. ClinVar contains an entry for this variant (Variation ID: 3022959). Variants that disrupt the consensus splice site are a relatively common cause of aberrant splicing (PMID: 17576681, 9536098). Algorithms developed to predict the effect of sequence changes on RNA splicing suggest that this variant is not likely to affect RNA splicing. In summary, the available evidence is currently insufficient to determine the role of this variant in disease. Therefore, it has been classified as a Variant of Uncertain Significance.

PreventionGenetics, part of Exact Sciences
Classification: Likely benign for TOP2B-related condition. Last evaluated: 2023-12-13. Review status: no assertion criteria provided. Collection method: clinical testing. Allele origin: germline. Not counted in ClinVar's aggregate classification.
Comment: This variant is classified as likely benign based on ACMG/AMP sequence variant interpretation guidelines (Richards et al. 2015 PMID: 25741868, with internal and published modifications).

Literature cited by the submitters: PubMed 17576681 (cited by Labcorp Genetics (formerly Invitae), Labcorp); PubMed 9536098 (cited by Labcorp Genetics (formerly Invitae), Labcorp).

NM_001330700.2(TOP2B):c.1800+6C>T

Gene: TOP2B (DNA topoisomerase II beta; minus strand). Cytogenetic location: 3p24.2.
Variant type: single nucleotide variant.
Coding change: c.1800+6C>T on transcript NM_001330700.2 (MANE Select); 6 bases into the intron after coding-DNA position 1800, C replaced by T.
Molecular consequence: intron variant.
Genome position (GRCh38, 1-based): chr3:25,629,029, G>A on the plus strand (C>T on the coding strand, the complement: TOP2B is on the minus strand). VCF-style: chr3-25629029-G-A. GRCh37 (hg19) VCF-style: chr3-25670520-G-A.
Other names: c.1800+6C>T (NM_001330700.1); c.1785+6C>T (NM_001068.3).
Identifiers: ClinVar variation 3022959 (VCV003022959.5), dbSNP rs368895676, ClinGen allele CA71653068.